The following is an entry in ClinVar:

ClinVar aggregate classification (germline): Likely benign (0 of 4 stars; one submission).

Conditions:
EP300-related disorder. Also called: EP300-related disorders; EP300-related condition.

gnomAD v4.1: 47 of 1,613,888 alleles (0.0029%); highest among the groups gnomAD compares: East Asian, 0.1%; no homozygotes.

Submission:

PreventionGenetics, part of Exact Sciences
Classification: Likely benign for EP300-related condition. Last evaluated: 2024-04-10. Review status: no assertion criteria provided. Collection method: clinical testing. Allele origin: germline.
Comment: This variant is classified as likely benign based on ACMG/AMP sequence variant interpretation guidelines (Richards et al. 2015 PMID: 25741868, with internal and published modifications).

NM_001429.4(EP300):c.1206C>T (p.His402=)

Gene: EP300 (E1A binding protein p300; plus strand). Cytogenetic location: 22q13.2.
Variant type: single nucleotide variant.
Coding change: c.1206C>T on transcript NM_001429.4 (MANE Select); coding-DNA position 1206, C replaced by T.
Protein change: p.His402=; no amino-acid change (histidine 402 retained).
Molecular consequence: synonymous variant.
Genome position (GRCh38, 1-based): chr22:41,129,927, C>T. VCF-style: chr22-41129927-C-T. GRCh37 (hg19) VCF-style: chr22-41525931-C-T.
Other names: c.1206C>T, p.His402= (NM_001362843.2).
Identifiers: ClinVar variation 3355245 (VCV003355245.1).